The following is an entry in ClinVar:

ClinVar aggregate classification (germline): Uncertain significance (1 of 4 stars; one submission).

Submission:

Ambry Genetics
Classification: Uncertain significance. Last evaluated: 2024-07-11. Review status: criteria provided, single submitter. Criteria: Ambry Variant Classification Scheme 2023. Collection method: clinical testing. Allele origin: germline.
Comment: The p.Q1117R variant (also known as c.3350A>G), located in coding exon 16 of the POLQ gene, results from an A to G substitution at nucleotide position 3350. The glutamine at codon 1117 is replaced by arginine, an amino acid with highly similar properties. This amino acid position is conserved. In addition, this alteration is predicted to be tolerated by in silico analysis. Based on the available evidence, the clinical significance of this variant remains unclear.

NM_199420.4(POLQ):c.3350A>G (p.Gln1117Arg)

Gene: POLQ (DNA polymerase theta; minus strand). Cytogenetic location: 3q13.33.
Variant type: single nucleotide variant.
Coding change: c.3350A>G on transcript NM_199420.4 (MANE Select); coding-DNA position 3350, A replaced by G.
Protein change: p.Gln1117Arg; replaces glutamine 1117 with arginine.
Molecular consequence: missense variant.
Genome position (GRCh38, 1-based): chr3:121,489,581, T>C on the plus strand (A>G on the coding strand, the complement: POLQ is on the minus strand). VCF-style: chr3-121489581-T-C. GRCh37 (hg19) VCF-style: chr3-121208428-T-C.
Other names: short protein forms Q1117R.
Identifiers: ClinVar variation 3422445 (VCV003422445.1).
Genomic context (GRCh38, chr3:121,489,581, plus strand): 5'-ATATGCTCCACAAAATTATCATTAGTTAGTGTTATGTTCCATGAACAATTTTGCTTTATT[T>C]GTAATGGGAATGATGTTTTATTATCTTTTTCCTTACCACTCAAAGATACATTTTTAGCAA-3'
Protein context (NP_955452.3, residues 1107-1127): EKDNKTSFPL[Gln1117Arg]IKQNCSWNIT